The following is an entry in ClinVar:

NM_182961.4(SYNE1):c.18043G>A (p.Asp6015Asn)

Gene: SYNE1 (spectrin repeat containing nuclear envelope protein 1; minus strand). Cytogenetic location: 6q25.2.
Variant type: single nucleotide variant.
Coding change: c.18043G>A on transcript NM_182961.4 (MANE Select); coding-DNA position 18043, G replaced by A.
Protein change: p.Asp6015Asn; replaces aspartic acid 6015 with asparagine.
Molecular consequence: missense variant.
Genome position (GRCh38, 1-based): chr6:152,284,142, C>T on the plus strand (G>A on the coding strand, the complement: SYNE1 is on the minus strand). VCF-style: chr6-152284142-C-T. GRCh37 (hg19) VCF-style: chr6-152605277-C-T.
Other names: c.17830G>A, p.Asp5944Asn (NM_033071.5); short protein forms D5944N, D6015N.
Identifiers: ClinVar variation 3901661 (VCV003901661.1).

ClinVar aggregate classification (germline): Uncertain significance (1 of 4 stars; one submission).

gnomAD v4.1: 3 of 1,614,086 alleles (0.00019%); highest among the groups gnomAD compares: Admixed American, 0.0017%; no homozygotes.

Submission:

GeneDx
Classification: Uncertain significance. Last evaluated: 2024-12-04. Review status: criteria provided, single submitter. Criteria: GeneDx Variant Classification Process June 2021. Collection method: clinical testing. Allele origin: germline. Affected: yes.
Comment: Not observed at significant frequency in large population cohorts (gnomAD); In silico analysis supports that this missense variant has a deleterious effect on protein structure/function; Has not been previously published as pathogenic or benign to our knowledge; In silico analysis is inconclusive as to whether the variant alters gene splicing. In the absence of RNA/functional studies, the actual effect of this sequence change is unknown.